The following is an entry in ClinVar:

NC_000003.11:g.(?_41265560)_(41280833_?)dup

Gene: CTNNB1 (catenin beta 1; plus strand). Cytogenetic location: 3p22.1.
Variant type: Duplication.
Identifiers: ClinVar variation 3246980 (VCV003246980.1).

ClinVar aggregate classification (germline): Uncertain significance (1 of 4 stars; one submission).

Submission:

Labcorp Genetics (formerly Invitae), Labcorp
Classification: Uncertain significance. Last evaluated: 2023-06-05. Review status: criteria provided, single submitter. Criteria: Invitae Variant Classification Sherloc (09022015). Collection method: clinical testing. Allele origin: unknown.
Comment: In summary, the available evidence is currently insufficient to determine the role of this variant in disease. Therefore, it has been classified as a Variant of Uncertain Significance. A similar copy number variant has been observed in individual(s) with colorectal adenomatous polyposis (PMID: 25219767). A copy number gain of the genomic region encompassing the full coding sequence of the CTNNB1 gene has been identified. The boundaries of this event are unknown as they extend beyond the assayed region for this gene and therefore may encompass additional genes. As the precise location of this event is unknown, it may be in tandem or it may be located elsewhere in the genome.

Literature cited by the submitters: PubMed 25219767.